The following is an entry in ClinVar:

NM_201384.3(PLEC):c.886C>G (p.Arg296Gly)

Gene: PLEC (plectin; minus strand). Cytogenetic location: 8q24.3.
Variant type: single nucleotide variant.
Coding change: c.886C>G on transcript NM_201384.3 (MANE Select); coding-DNA position 886, C replaced by G.
Protein change: p.Arg296Gly; replaces arginine 296 with glycine.
Molecular consequence: missense variant.
Genome position (GRCh38, 1-based): chr8:143,934,869, G>C on the plus strand (C>G on the coding strand, the complement: PLEC is on the minus strand). VCF-style: chr8-143934869-G-C. GRCh37 (hg19) VCF-style: chr8-145009037-G-C.
Other names: c.967C>G (NM_000445.3); c.967C>G, p.Arg323Gly (NM_000445.5, NM_001410941.1); c.844C>G, p.Arg282Gly (NM_201378.4); c.820C>G, p.Arg274Gly (NM_201379.3); c.1297C>G, p.Arg433Gly (NM_201380.4); c.790C>G, p.Arg264Gly (NM_201381.3); c.886C>G, p.Arg296Gly (NM_201382.4); c.898C>G, p.Arg300Gly (NM_201383.3); short protein forms R323G, R433G, R274G, R264G, R296G, R300G, R282G.
Identifiers: ClinVar variation 2945770 (VCV002945770.5), dbSNP rs782002558, ClinGen allele CA372586127.
Genomic context (GRCh38, chr8:143,934,869, plus strand): 5'-CCTCAATCTCCTCGAAGCTGGAGGGGAACCTGCGTTCCTCAAAGGCGGCCGTGTGGTGTC[G>C]CATCCACTGAAGCAGCAGCAGCACCAGCTCCCGGTACTCCTGCCAGCGCAGCTGCAGCTC-3'
Protein context (NP_958786.1, residues 286-306): ELVLLLLQWM[Arg296Gly]HHTAAFEERR

ClinVar aggregate classification (germline): Uncertain significance. Review status: criteria provided, multiple submitters, no conflicts (2 of 4 stars). 3 submissions from 3 submitters: Uncertain significance (3). Last evaluated 2024-10-28.

Conditions:
Epidermolysis bullosa simplex with nail dystrophy (EBS5D). Identifiers: MedGen C4225309, MONDO:0014661, OMIM 616487.
Epidermolysis bullosa simplex, Ogna type (EBS5A). Also called: Pidermolysis bullosa simplex 5A, Ogna type; EPIDERMOLYSIS BULLOSA SIMPLEX 5A, OGNA TYPE. Identifiers: Orphanet 79401, MedGen C0432317, MONDO:0007555, OMIM 131950.
Autosomal recessive limb-girdle muscular dystrophy type 2Q (LGMDR17). Also called: MUSCULAR DYSTROPHY, LIMB-GIRDLE, AUTOSOMAL RECESSIVE 17. Identifiers: Orphanet 254361, MedGen C3150989, MONDO:0013390, OMIM 613723.
Epidermolysis bullosa simplex 5B, with muscular dystrophy (EBS5B). Also called: EPIDERMOLYSIS BULLOSA SIMPLEX AND LIMB-GIRDLE MUSCULAR DYSTROPHY; Epidermolysis bullosa simplex with muscular dystrophy. Identifiers: Orphanet 257, MedGen C2931072, MONDO:0009181, OMIM 226670.
Epidermolysis bullosa simplex 5C, with pyloric atresia (EBS5C). Also called: PLEC-Related Epidermolysis Bullosa with Pyloric Atresia; Epidermolysis bullosa simplex with pyloric atresia; PLEC1-Related Epidermolysis Bullosa with Pyloric Atresia. Identifiers: Orphanet 158684, MedGen C2677349, MONDO:0012807, OMIM 612138.

Allele frequency attached by ClinVar (database versions not stated): gnomAD 0.00001.
gnomAD v4.1: 6 of 1,610,998 alleles (0.00037%); highest among the groups gnomAD compares: Non-Finnish European, 0.00051%; no homozygotes.

Submissions (3):

Labcorp Genetics (formerly Invitae), Labcorp
Classification: Uncertain significance for Autosomal recessive limb-girdle muscular dystrophy type 2Q; Epidermolysis bullosa simplex, Ogna type; Epidermolysis bullosa simplex with nail dystrophy; Epidermolysis bullosa simplex 5C, with pyloric atresia; Epidermolysis bullosa simplex 5B, with muscular dystrophy. Last evaluated: 2024-10-28. Review status: criteria provided, single submitter. Criteria: Invitae Variant Classification Sherloc (09022015). Collection method: clinical testing. Allele origin: germline.
Comment: This sequence change replaces arginine, which is basic and polar, with glycine, which is neutral and non-polar, at codon 323 of the PLEC protein (p.Arg323Gly). This variant is not present in population databases (gnomAD no frequency). This variant has not been reported in the literature in individuals affected with PLEC-related conditions. Experimental studies and prediction algorithms are not available or were not evaluated, and the functional significance of this variant is currently unknown. In summary, the available evidence is currently insufficient to determine the role of this variant in disease. Therefore, it has been classified as a Variant of Uncertain Significance.

Athena Diagnostics
Classification: Uncertain significance. Last evaluated: 2024-03-07. Review status: criteria provided, single submitter. Criteria: Athena Diagnostics Criteria. Collection method: clinical testing. Allele origin: unknown.
Comment: Available data are insufficient to determine the clinical significance of the variant at this time. The frequency of this variant in the general population is uninformative in assessment of its pathogenicity. Computational tools predict that this variant is damaging.

Revvity Omics, Revvity
Classification: Uncertain significance. Last evaluated: 2023-10-20. Review status: criteria provided, single submitter. Criteria: ACMG Guidelines, 2015. Collection method: clinical testing. Allele origin: germline.